The following is an entry in ClinVar:

NM_001127208.3(TET2):c.1766T>C (p.Ile589Thr)

Genes: TET2 (tet methylcytosine dioxygenase 2; plus strand), TET2-AS1 (TET2 antisense RNA 1; minus strand). Cytogenetic location: 4q24.
Variant type: single nucleotide variant.
Coding change: c.1766T>C on transcript NM_001127208.3 (MANE Select); coding-DNA position 1766, T replaced by C.
Protein change: p.Ile589Thr; replaces isoleucine 589 with threonine.
Molecular consequence: missense variant.
Genome position (GRCh38, 1-based): chr4:105,235,708, T>C. VCF-style: chr4-105235708-T-C. GRCh37 (hg19) VCF-style: chr4-106156865-T-C.
Other names: c.1766T>C, p.Ile589Thr (NM_017628.4); short protein forms I589T.
Identifiers: ClinVar variation 3967520 (VCV003967520.1).

ClinVar aggregate classification (germline): Uncertain significance (1 of 4 stars; one submission).

Submission:

Ambry Genetics
Classification: Uncertain significance. Last evaluated: 2025-04-03. Review status: criteria provided, single submitter. Criteria: Ambry Variant Classification Scheme 2023. Collection method: clinical testing. Allele origin: germline.
Comment: The p.I589T variant (also known as c.1766T>C), located in coding exon 1 of the TET2 gene, results from a T to C substitution at nucleotide position 1766. The isoleucine at codon 589 is replaced by threonine, an amino acid with similar properties. This amino acid position is conserved. In addition, this alteration is predicted to be tolerated by in silico analysis. Based on the available evidence, the clinical significance of this variant remains unclear.